The following is an entry in ClinVar:

ClinVar aggregate classification (germline): Uncertain significance (1 of 4 stars; one submission).

Conditions:
Hereditary cancer-predisposing syndrome. Also called: Neoplastic Syndromes, Hereditary; Tumor predisposition; Hereditary neoplastic syndrome; Hereditary Cancer Syndrome. Identifiers: Orphanet 140162, MedGen C0027672, MeSH D009386, MONDO:0015356.

Submission:

Ambry Genetics
Classification: Uncertain significance for Hereditary cancer-predisposing syndrome. Last evaluated: 2023-12-14. Review status: criteria provided, single submitter. Criteria: Ambry Variant Classification Scheme 2023. Collection method: clinical testing. Allele origin: germline.
Comment: The c.1626_1628delGAC variant (also known as p.L542_T543delinsF) is located in coding exon 10 of the ATM gene. This variant results from an in-frame GAC deletion at nucleotide positions 1626 to 1628. This results in the substitution of leucine and threonine at codons 542 and 543 for a phenylalanine, an amino acid with highly similar properties. This amino acid region is not well conserved in available vertebrate species. In addition, this alteration is predicted to be deleterious by in silico analysis (Choi Y et al. PLoS ONE. 2012; 7(10):e46688). Since supporting evidence is limited at this time, the clinical significance of this alteration remains unclear.

NM_000051.4(ATM):c.1626_1628del (p.Leu542_Thr543delinsPhe)

Gene: ATM (ATM serine/threonine kinase; plus strand). Cytogenetic location: 11q22.3.
Variant type: Deletion.
Coding change: c.1626_1628del on transcript NM_000051.4 (MANE Select); coding-DNA positions 1626 to 1628, 3 bases deleted (GAC; older notation c.1626_1628delGAC).
Protein change: p.Leu542_Thr543delinsPhe.
Molecular consequence: inframe indel.
Genome position (GRCh38, 1-based): chr11:108,251,855-108,251,857, GAC deleted. VCF-style (leftmost placement, unchanged base first): chr11-108251854-TGAC-T. GRCh37 (hg19) VCF-style: chr11-108122581-TGAC-T.
Other names: c.1626_1628del, p.Leu542_Thr543delinsPhe (NM_001351834.2).
Identifiers: ClinVar variation 3232147 (VCV003232147.1), dbSNP rs2497267059, ClinGen allele CA2825001791.